The following is an entry in ClinVar:

ClinVar aggregate classification (germline): Conflicting classifications of pathogenicity. Review status: criteria provided, conflicting classifications (1 of 4 stars). 4 submissions from 4 submitters: Uncertain significance (2); Likely benign (2). Last evaluated 2026-08-31.

Conditions:
CNGB1-related disorder. Also called: CNGB1-related condition.
Retinitis pigmentosa (RP). Identifiers: Orphanet 791, MedGen C0035334, MeSH D012174, MONDO:0019200, OMIM 268000. Inheritance: Autosomal dominant, autosomal recessive and X linked inheritance.

Allele frequency attached by ClinVar (database versions not stated): gnomAD 0.00006; ESP Exome Variant Server 0.00008; 1000 Genomes Project 30x 0.00016; TOPMed 0.00002.
gnomAD v4.1: 59 of 1,613,994 alleles (0.0037%); highest among the groups gnomAD compares: East Asian, 0.013%; no homozygotes.

Submissions (4):

PreventionGenetics, part of Exact Sciences
Classification: Likely benign for CNGB1-related condition. Last evaluated: 2026-08-31. Review status: criteria provided, single submitter. Criteria: ACMG Guidelines, 2015. Collection method: clinical testing. Allele origin: germline.
Comment: This variant is classified as likely benign based on ACMG/AMP sequence variant interpretation guidelines (Richards et al. 2015 PMID: 25741868, with internal and published modifications).

Labcorp Genetics (formerly Invitae), Labcorp
Classification: Uncertain significance. Last evaluated: 2025-11-03. Review status: criteria provided, single submitter. Criteria: Invitae Variant Classification Sherloc (09022015). Collection method: clinical testing. Allele origin: germline.
Comment: This sequence change falls in intron 26 of the CNGB1 gene. It does not directly change the encoded amino acid sequence of the CNGB1 protein. It affects a nucleotide within the consensus splice site. This variant is present in population databases (rs374018113, gnomAD 0.04%). This variant has not been reported in the literature in individuals affected with CNGB1-related conditions. ClinVar contains an entry for this variant (Variation ID: 886165). Variants that disrupt the consensus splice site are a relatively common cause of aberrant splicing (PMID: 17576681, 9536098). Algorithms developed to predict the effect of sequence changes on RNA splicing suggest that this variant is not likely to affect RNA splicing. In summary, the available evidence is currently insufficient to determine the role of this variant in disease. Therefore, it has been classified as a Variant of Uncertain Significance.

Blueprint Genetics
Classification: Likely benign. Last evaluated: 2021-06-07. Review status: criteria provided, single submitter. Criteria: ACMG Guidelines, 2015. Collection method: clinical testing. Allele origin: germline.

Illumina Laboratory Services, Illumina
Classification: Uncertain significance for Retinitis pigmentosa. Last evaluated: 2017-04-27. Review status: criteria provided, single submitter. Criteria: ICSL Variant Classification Criteria 13 December 2019. Collection method: clinical testing. Allele origin: germline.

Literature cited by the submitters: PubMed 17576681 (cited by Labcorp Genetics (formerly Invitae), Labcorp); PubMed 9536098 (cited by Labcorp Genetics (formerly Invitae), Labcorp).

NM_001297.5(CNGB1):c.2634+6G>A

Gene: CNGB1 (cyclic nucleotide gated channel subunit beta 1; minus strand). Cytogenetic location: 16q21.
Variant type: single nucleotide variant.
Coding change: c.2634+6G>A on transcript NM_001297.5 (MANE Select); 6 bases into the intron after coding-DNA position 2634, G replaced by A.
Molecular consequence: intron variant.
Genome position (GRCh38, 1-based): chr16:57,904,728, C>T on the plus strand (G>A on the coding strand, the complement: CNGB1 is on the minus strand). VCF-style: chr16-57904728-C-T. GRCh37 (hg19) VCF-style: chr16-57938632-C-T.
Other names: c.2616+6G>A (NM_001286130.2).
Identifiers: ClinVar variation 886165 (VCV000886165.9), dbSNP rs374018113, ClinGen allele CA8082907.